The following is an entry in ClinVar:

NC_000009.12:g.35657725G>T

Gene: RMRP (RNA component of mitochondrial RNA processing endoribonuclease; minus strand). Cytogenetic location: 9p13.3.
Variant type: single nucleotide variant.
Genome position: GRCh38 VCF-style: chr9-35657725-G-T. GRCh37 (hg19) VCF-style: chr9-35657722-G-T.
Identifiers: ClinVar variation 2061883 (VCV002061883.1), dbSNP rs1823594956, ClinGen allele CA2580080426.

ClinVar aggregate classification (germline): Uncertain significance (1 of 4 stars; one submission).

Conditions:
Anauxetic dysplasia. Identifiers: Orphanet 93347, MedGen C1846796, MONDO:0011773.

Allele frequency attached by ClinVar (database versions not stated): gnomAD exomes below 0.00001.

Submission:

Labcorp Genetics (formerly Invitae), Labcorp
Classification: Uncertain significance for Anauxetic dysplasia. Last evaluated: 2021-03-11. Review status: criteria provided, single submitter. Criteria: Invitae Variant Classification Sherloc (09022015). Collection method: clinical testing. Allele origin: germline.
Comment: This variant occurs in the RMRP gene, which encodes an RNA molecule that does not result in a protein product. The frequency data for this variant in the population databases is considered unreliable, as metrics indicate insufficient coverage at this position in the ExAC database. This variant has not been reported in the literature in individuals with RMRP-related conditions. Experimental studies and prediction algorithms are not available or were not evaluated, and the functional significance of this variant is currently unknown. In summary, the available evidence is currently insufficient to determine the role of this variant in disease. Therefore, it has been classified as a Variant of Uncertain Significance.